The following is an entry in ClinVar:

ClinVar aggregate classification (germline): Likely benign. Review status: criteria provided, multiple submitters, no conflicts (2 of 4 stars). 2 submissions from 2 submitters: Likely benign (2). Last evaluated 2026-02-24.

Conditions:
AIFM1-related disorder. Also called: AIFM1-related condition.
Combined oxidative phosphorylation deficiency. Identifiers: MedGen C4540031, MONDO:0000732.
Charcot-Marie-Tooth Neuropathy X. Identifiers: MedGen CN118851.

Allele frequency attached by ClinVar (database versions not stated): gnomAD 0.00002; TOPMed 0.00002; ExAC 0.00003; gnomAD exomes 0.00003 and 0.00004.
gnomAD v4.1: 41 of 1,146,549 alleles (0.0036%); highest among the groups gnomAD compares: Non-Finnish European, 0.0043%; no homozygotes.

Submissions (2):

PreventionGenetics, part of Exact Sciences
Classification: Likely benign for AIFM1-related condition. Last evaluated: 2026-02-24. Review status: criteria provided, single submitter. Criteria: ACMG Guidelines, 2015. Collection method: clinical testing. Allele origin: germline.
Comment: This variant is classified as likely benign based on ACMG/AMP sequence variant interpretation guidelines (Richards et al. 2015 PMID: 25741868, with internal and published modifications).

Labcorp Genetics (formerly Invitae), Labcorp
Classification: Likely benign for Charcot-Marie-Tooth Neuropathy X; Combined oxidative phosphorylation deficiency. Last evaluated: 2025-11-03. Review status: criteria provided, single submitter. Criteria: Invitae Variant Classification Sherloc (09022015). Collection method: clinical testing. Allele origin: germline.

NM_004208.4(AIFM1):c.250-9G>C

Genes: AIFM1 (apoptosis inducing factor mitochondria associated 1; minus strand), RAB33A (RAB33A, member RAS oncogene family; plus strand). Cytogenetic location: Xq26.1.
Variant type: single nucleotide variant.
Coding change: c.250-9G>C on transcript NM_004208.4 (MANE Select); 9 bases into the intron before coding-DNA position 250, G replaced by C.
Molecular consequence: intron variant.
Genome position (GRCh38, 1-based): chrX:130,149,577, C>G on the plus strand (G>C on the coding strand, the complement: AIFM1 is on the minus strand). VCF-style: chrX-130149577-C-G. GRCh37 (hg19) VCF-style: chrX-129283552-C-G.
Other names: c.238-9G>C (NM_145812.3); c.250-9G>C (NM_001130847.4).
Identifiers: ClinVar variation 701488 (VCV000701488.10), dbSNP rs769644052, ClinGen allele CA10515487.